The following is an entry in ClinVar:

ClinVar aggregate classification (germline): Uncertain significance (1 of 4 stars; one submission).

Conditions:
Spastic paraplegia. Identifiers: MedGen C0037772, HP:0001258.

Submission:

Labcorp Genetics (formerly Invitae), Labcorp
Classification: Uncertain significance for Spastic paraplegia. Last evaluated: 2022-08-19. Review status: criteria provided, single submitter. Criteria: Invitae Variant Classification Sherloc (09022015). Collection method: clinical testing. Allele origin: germline.
Comment: Advanced modeling of protein sequence and biophysical properties (such as structural, functional, and spatial information, amino acid conservation, physicochemical variation, residue mobility, and thermodynamic stability) performed at Invitae indicates that this missense variant is not expected to disrupt SACS protein function. This sequence change replaces isoleucine, which is neutral and non-polar, with valine, which is neutral and non-polar, at codon 4567 of the SACS protein (p.Ile4567Val). This variant is not present in population databases (gnomAD no frequency). This variant has not been reported in the literature in individuals affected with SACS-related conditions. In summary, the available evidence is currently insufficient to determine the role of this variant in disease. Therefore, it has been classified as a Variant of Uncertain Significance.

NM_014363.6(SACS):c.13699A>G (p.Ile4567Val)

Gene: SACS (sacsin molecular chaperone; minus strand). Cytogenetic location: 13q12.12.
Variant type: single nucleotide variant.
Coding change: c.13699A>G on transcript NM_014363.6 (MANE Select); coding-DNA position 13699, A replaced by G.
Protein change: p.Ile4567Val; replaces isoleucine 4567 with valine.
Molecular consequence: missense variant.
Genome position (GRCh38, 1-based): chr13:23,330,177, T>C on the plus strand (A>G on the coding strand, the complement: SACS is on the minus strand). VCF-style: chr13-23330177-T-C. GRCh37 (hg19) VCF-style: chr13-23904316-T-C.
Other names: c.13258A>G, p.Ile4420Val (NM_001278055.2); short protein forms I4567V, I4420V.
Identifiers: ClinVar variation 2200977 (VCV002200977.4), dbSNP rs2542133711, ClinGen allele CA387504673.